The following is an entry in ClinVar:

NM_001005273.3(CHD3):c.3338C>T (p.Ala1113Val)

Gene: CHD3 (chromodomain helicase DNA binding protein 3; plus strand). Cytogenetic location: 17p13.1.
Variant type: single nucleotide variant.
Coding change: c.3338C>T on transcript NM_001005273.3 (MANE Select); coding-DNA position 3338, C replaced by T.
Protein change: p.Ala1113Val; replaces alanine 1113 with valine.
Molecular consequence: missense variant.
Genome position (GRCh38, 1-based): chr17:7,902,695, C>T. VCF-style: chr17-7902695-C-T. GRCh37 (hg19) VCF-style: chr17-7806013-C-T.
Other names: c.3515C>T, p.Ala1172Val (NM_001005271.3); c.3338C>T, p.Ala1113Val (NM_005852.4); short protein forms A1113V, A1172V.
Identifiers: ClinVar variation 2662793 (VCV002662793.1), dbSNP rs890188455, ClinGen allele CA287494689.

ClinVar aggregate classification (germline): Uncertain significance (1 of 4 stars; one submission).

Allele frequency attached by ClinVar (database versions not stated): gnomAD exomes below 0.00001.
gnomAD v4.1: 1 of 1,613,842 alleles (0.000062%); highest among the groups gnomAD compares: Non-Finnish European, 0.000085%; no homozygotes.

Submission:

GeneDx
Classification: Uncertain significance. Last evaluated: 2023-11-08. Review status: criteria provided, single submitter. Criteria: GeneDx Variant Classification Process June 2021. Collection method: clinical testing. Allele origin: germline. Affected: yes.
Comment: Not observed at significant frequency in large population cohorts (gnomAD); In silico analysis supports that this missense variant does not alter protein structure/function; Has not been previously published as pathogenic or benign to our knowledge